The following is an entry in ClinVar:

NM_005656.4(TMPRSS2):c.1123C>T (p.Pro375Ser)

Gene: TMPRSS2 (transmembrane serine protease 2; minus strand). Cytogenetic location: 21q22.3.
Variant type: single nucleotide variant.
Coding change: c.1123C>T on transcript NM_005656.4 (MANE Select); coding-DNA position 1123, C replaced by T.
Protein change: p.Pro375Ser; replaces proline 375 with serine.
Molecular consequence: missense variant.
Genome position (GRCh38, 1-based): chr21:41,470,696, G>A on the plus strand (C>T on the coding strand, the complement: TMPRSS2 is on the minus strand). VCF-style: chr21-41470696-G-A. GRCh37 (hg19) VCF-style: chr21-42842623-G-A.
Other names: c.1234C>T, p.Pro412Ser (NM_001135099.1); c.1123C>T, p.Pro375Ser (NM_001382720.1); short protein forms P375S, P412S.
Identifiers: ClinVar variation 3034163 (VCV003034163.2), dbSNP rs61735795, ClinGen allele CA10034419.

ClinVar aggregate classification (germline): Likely benign (0 of 4 stars; one submission).

Conditions:
TMPRSS2-related disorder. Also called: TMPRSS2-related condition.

Allele frequency attached by ClinVar (database versions not stated): gnomAD exomes 0.00009; ExAC 0.00025; ESP Exome Variant Server 0.00108; gnomAD 0.00111; TOPMed 0.00135.
gnomAD v4.1: 315 of 1,613,622 alleles (0.02%); highest among the groups gnomAD compares: African/African-American, 0.37%; 4 homozygotes.

Submission:

PreventionGenetics, part of Exact Sciences
Classification: Likely benign for TMPRSS2-related condition. Last evaluated: 2023-07-16. Review status: no assertion criteria provided. Collection method: clinical testing. Allele origin: germline.
Comment: This variant is classified as likely benign based on ACMG/AMP sequence variant interpretation guidelines (Richards et al. 2015 PMID: 25741868, with internal and published modifications).